The following is an entry in ClinVar:

NM_007272.3(CTRC):c.631G>A (p.Ala211Thr)

Gene: CTRC (chymotrypsin C; plus strand). Cytogenetic location: 1p36.21.
Variant type: single nucleotide variant.
Coding change: c.631G>A on transcript NM_007272.3 (MANE Select); coding-DNA position 631, G replaced by A.
Protein change: p.Ala211Thr; replaces alanine 211 with threonine.
Molecular consequence: missense variant.
Genome position (GRCh38, 1-based): chr1:15,444,743, G>A. VCF-style: chr1-15444743-G-A. GRCh37 (hg19) VCF-style: chr1-15771238-G-A.
Other names: short protein forms A211T.
Identifiers: ClinVar variation 582545 (VCV000582545.12), dbSNP rs747965069, ClinGen allele CA613400.
Genomic context (GRCh38, chr1:15,444,743, plus strand): 5'-TGGTGGGGCTTCAGGGTGAAGAAAACCATGGTGTGCGCTGGGGGCGATGGCGTCATCTCA[G>A]CCTGCAATGTGAGTGGCTAGGTTCTGCACCTTGTCCCTACTCCAAGTGGCCAAGTGGATG-3'
Protein context (NP_009203.2, residues 201-221): VCAGGDGVIS[Ala211Thr]CNGDSGGPLN

ClinVar aggregate classification (germline): Uncertain significance. Review status: criteria provided, multiple submitters, no conflicts (2 of 4 stars). 2 submissions from 2 submitters: Uncertain significance (2). Last evaluated 2025-07-03.

Conditions:
Hereditary pancreatitis (PCTT). Also called: Hereditary chronic pancreatitis; PRSS1-Related Hereditary Pancreatitis. Identifiers: Orphanet 676, MedGen C0238339, MONDO:0008185, OMIM 167800.

Allele frequency attached by ClinVar (database versions not stated): gnomAD 0.00001; gnomAD exomes 0.00001 and 0.00002; ExAC 0.00003; TOPMed 0.00005.
gnomAD v4.1: 7 of 1,614,086 alleles (0.00043%); highest among the groups gnomAD compares: Admixed American, 0.0083%; no homozygotes.

Submissions (2):

Ambry Genetics
Classification: Uncertain significance for Hereditary pancreatitis. Last evaluated: 2025-07-03. Review status: criteria provided, single submitter. Criteria: Ambry Variant Classification Scheme 2023. Collection method: clinical testing. Allele origin: germline.
Comment: The p.A211T variant (also known as c.631G>A), located in coding exon 6 of the CTRC gene, results from a G to A substitution at nucleotide position 631. The alanine at codon 211 is replaced by threonine, an amino acid with similar properties. This amino acid position is conserved. In addition, this alteration is predicted to be tolerated by in silico analysis. Since supporting evidence is limited at this time, the clinical significance of this alteration remains unclear.

Labcorp Genetics (formerly Invitae), Labcorp
Classification: Uncertain significance for Hereditary pancreatitis. Last evaluated: 2024-06-04. Review status: criteria provided, single submitter. Criteria: Invitae Variant Classification Sherloc (09022015). Collection method: clinical testing. Allele origin: germline.
Comment: This sequence change replaces alanine, which is neutral and non-polar, with threonine, which is neutral and polar, at codon 211 of the CTRC protein (p.Ala211Thr). This variant is present in population databases (rs747965069, gnomAD 0.01%). This variant has not been reported in the literature in individuals affected with CTRC-related conditions. ClinVar contains an entry for this variant (Variation ID: 582545). Advanced modeling of protein sequence and biophysical properties (such as structural, functional, and spatial information, amino acid conservation, physicochemical variation, residue mobility, and thermodynamic stability) performed at Invitae indicates that this missense variant is not expected to disrupt CTRC protein function with a negative predictive value of 80%. In summary, the available evidence is currently insufficient to determine the role of this variant in disease. Therefore, it has been classified as a Variant of Uncertain Significance.